The following is an entry in ClinVar:

NM_000548.5(TSC2):c.729C>T (p.Leu243=)

Gene: TSC2 (TSC complex subunit 2; plus strand). Cytogenetic location: 16p13.3.
Variant type: single nucleotide variant.
Coding change: c.729C>T on transcript NM_000548.5 (MANE Select); coding-DNA position 729, C replaced by T.
Protein change: p.Leu243=; no amino-acid change (leucine 243 retained).
Molecular consequence: synonymous variant.
Genome position (GRCh38, 1-based): chr16:2,056,724, C>T. VCF-style: chr16-2056724-C-T. GRCh37 (hg19) VCF-style: chr16-2106725-C-T.
Other names: c.129C>T, p.Leu43= (NM_001318831.2); c.762C>T, p.Leu254= (NM_001318832.2); c.729C>T, p.Leu243= (NM_001363528.2, NM_001370404.1, NM_001370405.1 and 3 more transcripts); c.618C>T, p.Leu206= (NM_001318827.2); c.582C>T, p.Leu194= (NM_001318829.2).
Identifiers: ClinVar variation 754615 (VCV000754615.17), dbSNP rs45473698, ClinGen allele CA492957313.

ClinVar aggregate classification (germline): Benign/Likely benign. Review status: criteria provided, multiple submitters, no conflicts (2 of 4 stars). 5 submissions from 5 submitters: Benign (2); Likely benign (3). Last evaluated 2025-05-09.

Conditions:
Hereditary cancer-predisposing syndrome. Also called: Tumor predisposition; Hereditary Cancer Syndrome; Neoplastic Syndromes, Hereditary; Hereditary neoplastic syndrome. Identifiers: Orphanet 140162, MedGen C0027672, MeSH D009386, MONDO:0015356.
Tuberous sclerosis 2 (TSC2). Identifiers: Orphanet 805, MedGen C1860707, MONDO:0013199, OMIM 613254.

Allele frequency attached by ClinVar (database versions not stated): 1000 Genomes Project 30x 0.00031.
gnomAD v4.1: 2 of 1,612,280 alleles (0.00012%); highest among the groups gnomAD compares: East Asian, 0.0045%; no homozygotes.

Submissions (5):

Myriad Genetics, Inc.
Classification: Benign for Tuberous sclerosis 2. Last evaluated: 2025-05-09. Review status: criteria provided, single submitter. Criteria: Myriad Autosomal Dominant, Autosomal Recessive and X-Linked Classification Criteria (2023). Collection method: clinical testing. Allele origin: unknown.
Comment: This variant is considered benign. This variant is a silent/synonymous amino acid change and it is not expected to impact splicing.

Labcorp Genetics (formerly Invitae), Labcorp
Classification: Likely benign for Tuberous sclerosis 2. Last evaluated: 2025-04-03. Review status: criteria provided, single submitter. Criteria: Invitae Variant Classification Sherloc (09022015). Collection method: clinical testing. Allele origin: germline.

Women's Health and Genetics/Laboratory Corporation of America, LabCorp
Classification: Likely benign. Last evaluated: 2024-09-10. Review status: criteria provided, single submitter. Criteria: LabCorp Variant Classification Summary - May 2015. Collection method: clinical testing. Allele origin: germline.

Genome-Nilou Lab
Classification: Benign for Tuberous sclerosis 2. Last evaluated: 2021-11-07. Review status: criteria provided, single submitter. Criteria: ACMG Guidelines, 2015. Collection method: clinical testing. Allele origin: germline. Affected: no.

Ambry Genetics
Classification: Likely benign for Hereditary cancer-predisposing syndrome. Last evaluated: 2019-10-30. Review status: criteria provided, single submitter. Criteria: Ambry Variant Classification Scheme 2023. Collection method: clinical testing. Allele origin: germline.